The following is an entry in ClinVar:

NM_000180.4(GUCY2D):c.2471T>C (p.Leu824Pro)

Gene: GUCY2D (guanylate cyclase 2D, retinal; plus strand). Cytogenetic location: 17p13.1.
Variant type: single nucleotide variant.
Coding change: c.2471T>C on transcript NM_000180.4 (MANE Select); coding-DNA position 2471, T replaced by C.
Protein change: p.Leu824Pro; replaces leucine 824 with proline.
Molecular consequence: missense variant.
Genome position (GRCh38, 1-based): chr17:8,014,659, T>C. VCF-style: chr17-8014659-T-C. GRCh37 (hg19) VCF-style: chr17-7917977-T-C.
Other names: short protein forms L824P.
Identifiers: ClinVar variation 4789974 (VCV004789974.1).
Genomic context (GRCh38, chr17:8,014,659, plus strand): 5'-AGTTCAAGAACATCAACAAGGGCCGGAAGACGAACATCATTGACTCGATGCTTCGGATGC[T>C]GGAGCAGTACTCTAGTAACCTGGAGGATCTGATCCGGGAGCGCACGGAGGAGCTGGAGCT-3'
Protein context (NP_000171.1, residues 814-834): TNIIDSMLRM[Leu824Pro]EQYSSNLEDL

ClinVar aggregate classification (germline): Uncertain significance (1 of 4 stars; one submission).

Conditions:
Leber congenital amaurosis 1 (LCA1). Also called: AMAUROSIS CONGENITA OF LEBER I; RETINAL BLINDNESS, CONGENITAL; Congenital absence of the rods and cones; Leber's congenital tapetoretinal degeneration; Leber's congenital tapetoretinal dysplasia. Identifiers: Orphanet 65, MedGen C2931258, MONDO:0008764, OMIM 204000.
Cone-rod dystrophy 6 (CORD6). Also called: RETINAL CONE DYSTROPHY 2; Cone dystrophy progressive. Identifiers: Orphanet 1872, MedGen C1866293, MONDO:0011143, OMIM 601777.

gnomAD v4.1: 2 of 1,613,898 alleles (0.00012%); highest among the groups gnomAD compares: Non-Finnish European, 0.00017%; no homozygotes.

Submission:

Labcorp Genetics (formerly Invitae), Labcorp
Classification: Uncertain significance for Leber congenital amaurosis 1; Cone-rod dystrophy 6. Last evaluated: 2025-11-25. Review status: criteria provided, single submitter. Criteria: Invitae Variant Classification Sherloc (09022015). Collection method: clinical testing. Allele origin: germline.
Comment: This sequence change replaces leucine, which is neutral and non-polar, with proline, which is neutral and non-polar, at codon 824 of the GUCY2D protein (p.Leu824Pro). This variant is not present in population databases (gnomAD no frequency). This variant has not been reported in the literature in individuals affected with GUCY2D-related conditions. Invitae Evidence Modeling of protein sequence and biophysical properties (such as structural, functional, and spatial information, amino acid conservation, physicochemical variation, residue mobility, and thermodynamic stability) indicates that this missense variant is expected to disrupt GUCY2D protein function with a positive predictive value of 80%. In summary, the available evidence is currently insufficient to determine the role of this variant in disease. Therefore, it has been classified as a Variant of Uncertain Significance.